The following is an entry in ClinVar:

NM_020975.6(RET):c.2099T>C (p.Met700Thr)

Gene: RET (ret proto-oncogene; plus strand). Cytogenetic location: 10q11.21.
Variant type: single nucleotide variant.
Coding change: c.2099T>C on transcript NM_020975.6 (MANE Select); coding-DNA position 2099, T replaced by C.
Protein change: p.Met700Thr; replaces methionine 700 with threonine.
Molecular consequence: missense variant.
Genome position (GRCh38, 1-based): chr10:43,114,699, T>C. VCF-style: chr10-43114699-T-C. GRCh37 (hg19) VCF-style: chr10-43610147-T-C.
Other names: c.2099T>C, p.Met700Thr (NM_000323.2, NM_001406743.1, NM_001406744.1 and 4 more transcripts); c.1337T>C, p.Met446Thr (NM_001355216.2); c.1970T>C, p.Met657Thr (NM_001406761.1, NM_001406762.1, NM_001406764.1); c.1964T>C, p.Met655Thr (NM_001406763.1, NM_001406765.1); c.1811T>C, p.Met604Thr (NM_001406766.1, NM_001406767.1, NM_001406770.1); c.1835T>C, p.Met612Thr (NM_001406768.1); c.1703T>C, p.Met568Thr (NM_001406769.1, NM_001406772.1); c.1661T>C, p.Met554Thr (NM_001406771.1, NM_001406773.1); and 10 more; short protein forms M305T, M568T, M604T, M401T, M525T, M612T, M356T, M361T.
Identifiers: ClinVar variation 1785847 (VCV001785847.6), dbSNP rs2132854489, ClinGen allele CA376553305.

ClinVar aggregate classification (germline): Uncertain significance. Review status: criteria provided, multiple submitters, no conflicts (2 of 4 stars). 2 submissions from 2 submitters: Uncertain significance (2). Last evaluated 2025-05-30.

Conditions:
Hereditary cancer-predisposing syndrome. Also called: Neoplastic Syndromes, Hereditary; Tumor predisposition; Hereditary Cancer Syndrome; Hereditary neoplastic syndrome. Identifiers: Orphanet 140162, MedGen C0027672, MeSH D009386, MONDO:0015356.
Multiple endocrine neoplasia, type 2 (MEN2). Identifiers: Orphanet 653, MedGen C4048306, MONDO:0019003. Disease mechanism: gain of function.

Allele frequency attached by ClinVar (database versions not stated): gnomAD exomes below 0.00001.
gnomAD v4.1: 1 of 1,611,962 alleles (0.000062%); highest among the groups gnomAD compares: South Asian, 0.0011%; no homozygotes.

Submissions (2):

Ambry Genetics
Classification: Uncertain significance for Hereditary cancer-predisposing syndrome. Last evaluated: 2025-05-30. Review status: criteria provided, single submitter. Criteria: Ambry Variant Classification Scheme 2023. Collection method: clinical testing. Allele origin: germline.
Comment: The p.M700T variant (also known as c.2099T>C), located in coding exon 11 of the RET gene, results from a T to C substitution at nucleotide position 2099. The methionine at codon 700 is replaced by threonine, an amino acid with similar properties. This amino acid position is not well conserved in available vertebrate species. In addition, the in silico prediction for this alteration is inconclusive. Based on the available evidence, the clinical significance of this variant remains unclear.

Labcorp Genetics (formerly Invitae), Labcorp
Classification: Uncertain significance for Multiple endocrine neoplasia, type 2. Last evaluated: 2024-01-14. Review status: criteria provided, single submitter. Criteria: Invitae Variant Classification Sherloc (09022015). Collection method: clinical testing. Allele origin: germline.
Comment: This sequence change replaces methionine, which is neutral and non-polar, with threonine, which is neutral and polar, at codon 700 of the RET protein (p.Met700Thr). This variant is not present in population databases (gnomAD no frequency). This variant has not been reported in the literature in individuals affected with RET-related conditions. ClinVar contains an entry for this variant (Variation ID: 1785847). An algorithm developed to predict the effect of missense changes on protein structure and function (PolyPhen-2) suggests that this variant is likely to be tolerated. In summary, the available evidence is currently insufficient to determine the role of this variant in disease. Therefore, it has been classified as a Variant of Uncertain Significance.